The following is an entry in ClinVar:

NM_000548.5(TSC2):c.434C>T (p.Ala145Val)

Gene: TSC2 (TSC complex subunit 2; plus strand). Cytogenetic location: 16p13.3.
Variant type: single nucleotide variant.
Coding change: c.434C>T on transcript NM_000548.5 (MANE Select); coding-DNA position 434, C replaced by T.
Protein change: p.Ala145Val; replaces alanine 145 with valine.
Molecular consequence: missense variant. On other transcripts: intron variant (1).
Genome position (GRCh38, 1-based): chr16:2,054,393, C>T. VCF-style: chr16-2054393-C-T. GRCh37 (hg19) VCF-style: chr16-2104394-C-T.
Other names: c.434C>T, p.Ala145Val (NM_001077183.3, NM_001114382.3, NM_001363528.2 and 3 more transcripts); c.323C>T, p.Ala108Val (NM_001318827.2); c.287C>T, p.Ala96Val (NM_001318829.2); c.467C>T, p.Ala156Val (NM_001318832.2); c.-1-1803C>T (NM_001318831.2); short protein forms A156V, A108V, A145V, A96V.
Identifiers: ClinVar variation 824815 (VCV000824815.16), dbSNP rs1596265255, ClinGen allele CA394307359.

ClinVar aggregate classification (germline): Uncertain significance. Review status: criteria provided, multiple submitters, no conflicts (2 of 4 stars). 3 submissions from 3 submitters: Uncertain significance (3). Last evaluated 2025-07-09.

Conditions:
Hereditary cancer-predisposing syndrome. Also called: Neoplastic Syndromes, Hereditary; Hereditary Cancer Syndrome; Hereditary neoplastic syndrome; Tumor predisposition. Identifiers: Orphanet 140162, MedGen C0027672, MeSH D009386, MONDO:0015356.
Tuberous sclerosis 2 (TSC2). Identifiers: Orphanet 805, MedGen C1860707, MONDO:0013199, OMIM 613254.

Allele frequency attached by ClinVar (database versions not stated): gnomAD 0.00001.
gnomAD v4.1: 1 of 1,614,132 alleles (0.000062%); highest among the groups gnomAD compares: Admixed American, 0.0017%; no homozygotes.

Submissions (3):

Labcorp Genetics (formerly Invitae), Labcorp
Classification: Uncertain significance for Tuberous sclerosis 2. Last evaluated: 2025-07-09. Review status: criteria provided, single submitter. Criteria: Invitae Variant Classification Sherloc (09022015). Collection method: clinical testing. Allele origin: germline.
Comment: This sequence change replaces alanine, which is neutral and non-polar, with valine, which is neutral and non-polar, at codon 145 of the TSC2 protein (p.Ala145Val). This variant is not present in population databases (gnomAD no frequency). This variant has not been reported in the literature in individuals affected with TSC2-related conditions. ClinVar contains an entry for this variant (Variation ID: 824815). Invitae Evidence Modeling of protein sequence and biophysical properties (such as structural, functional, and spatial information, amino acid conservation, physicochemical variation, residue mobility, and thermodynamic stability) indicates that this missense variant is not expected to disrupt TSC2 protein function with a negative predictive value of 95%. In summary, the available evidence is currently insufficient to determine the role of this variant in disease. Therefore, it has been classified as a Variant of Uncertain Significance.

Ambry Genetics
Classification: Uncertain significance for Hereditary cancer-predisposing syndrome. Last evaluated: 2025-06-06. Review status: criteria provided, single submitter. Criteria: Ambry Variant Classification Scheme 2023. Collection method: clinical testing. Allele origin: germline.
Comment: The p.A145V variant (also known as c.434C>T), located in coding exon 4 of the TSC2 gene, results from a C to T substitution at nucleotide position 434. The alanine at codon 145 is replaced by valine, an amino acid with similar properties. This amino acid position is highly conserved in available vertebrate species. In addition, this alteration is predicted to be deleterious by in silico analysis. Based on the available evidence, the clinical significance of this variant remains unclear.

Genome-Nilou Lab
Classification: Uncertain significance for Tuberous sclerosis 2. Last evaluated: 2021-11-07. Review status: criteria provided, single submitter. Criteria: ACMG Guidelines, 2015. Collection method: clinical testing. Allele origin: germline. Affected: no.